The following is an entry in ClinVar:

ClinVar aggregate classification (germline): Likely pathogenic. Review status: criteria provided, multiple submitters, no conflicts (2 of 4 stars). 2 submissions from 2 submitters: Likely pathogenic (2). Last evaluated 2026-06-23.

Conditions:
Sideroblastic anemia 2. Also called: Anemia, sideroblastic, 2, pyridoxine-refractory. Identifiers: Orphanet 260305, MedGen C4225425, MONDO:0008785, OMIM 205950.

Submissions (2):

Kasturba Medical College, Manipal, Kasturba Medical College, Manipal, Manipal Academy of Higher Education, Manipal, India
Classification: Likely pathogenic for Sideroblastic anemia 2. Last evaluated: 2026-06-23. Review status: criteria provided, single submitter. Criteria: ACMG Guidelines, 2015. Collection method: research. Allele origin: paternal. Inheritance: Autosomal recessive inheritance. Affected: yes. Observed: 1 variant allele, 1 heterozygote.
Comment: This variant is observed in heterozygous state in 99 individuals (allele frequency: 0.00006134) and absent in homozygous state in the gnomAD (v4.1.0) population database. This variant has been observed in three individuals in our in-house data of 4287 exomes.

Fulgent Genetics
Classification: Likely pathogenic for Sideroblastic anemia 2. Last evaluated: 2024-04-28. Review status: criteria provided, single submitter. Criteria: ACMG Guidelines, 2015. Collection method: clinical testing. Allele origin: germline.

NM_017875.4(SLC25A38):c.448C>T (p.Arg150Cys)

Gene: SLC25A38 (solute carrier family 25 member 38; plus strand). Cytogenetic location: 3p22.1.
Variant type: single nucleotide variant.
Coding change: c.448C>T on transcript NM_017875.4 (MANE Select); coding-DNA position 448, C replaced by T.
Protein change: p.Arg150Cys; replaces arginine 150 with cysteine.
Molecular consequence: missense variant.
Genome position (GRCh38, 1-based): chr3:39,391,612, C>T. VCF-style: chr3-39391612-C-T. GRCh37 (hg19) VCF-style: chr3-39433103-C-T.
Other names: c.448C>T, p.Arg150Cys (NM_001354798.2); short protein forms R150C.
Identifiers: ClinVar variation 3589161 (VCV003589161.2).